The following is an entry in ClinVar:

NM_024926.4(IFT56):c.4-1G>C

Gene: IFT56 (intraflagellar transport 56; plus strand). Cytogenetic location: 7q34.
Variant type: single nucleotide variant.
Coding change: c.4-1G>C on transcript NM_024926.4 (MANE Select); the canonical splice acceptor site of the intron before coding-DNA position 4, G replaced by C.
Molecular consequence: splice acceptor variant.
Genome position (GRCh38, 1-based): chr7:139,134,654, G>C. VCF-style: chr7-139134654-G-C. GRCh37 (hg19) VCF-style: chr7-138819400-G-C.
Other names: IVS1AS, G-C, -1; c.-578-1G>C (NM_001318333.2); c.4-1G>C (NM_001321740.2, NM_001144920.3, NM_001321741.2 and 3 more transcripts); c.-241-1G>C (NM_001287513.2).
Identifiers: ClinVar variation 1251992 (VCV001251992.25), dbSNP rs2130770516, ClinGen allele CA369394825.

ClinVar aggregate classification (germline): Pathogenic/Likely pathogenic. Review status: criteria provided, multiple submitters, no conflicts (2 of 4 stars). 4 submissions from 3 submitters: Pathogenic (1); Likely pathogenic (1). 2 of the submissions do not count toward it. Last evaluated 2024-03-14.

Conditions:
Biliary, renal, neurologic, and skeletal syndrome (BRENS). Also called: BRENS SYNDROME. Identifiers: MedGen C5561990, MONDO:0859191, OMIM 619534.
Hydrocephalus (HYC). Identifiers: MedGen C0020255, MONDO:0001150, HP:0000238.

Submissions (4):

Genomic Medicine Center of Excellence, King Faisal Specialist Hospital and Research Centre
Classification: Pathogenic for Biliary, renal, neurologic, and skeletal syndrome. Last evaluated: 2024-03-14. Review status: criteria provided, single submitter. Criteria: ACMG Guidelines, 2015. Collection method: clinical testing. Allele origin: germline.

GeneDx
Classification: Likely pathogenic. Last evaluated: 2024-03-11. Review status: criteria provided, single submitter. Criteria: GeneDx Variant Classification Process June 2021. Collection method: clinical testing. Allele origin: germline. Affected: yes.
Comment: Canonical splice site variant predicted to result in an in-frame loss of the adjacent exon in a gene for which loss of function is a known mechanism of disease; Not observed at significant frequency in large population cohorts (gnomAD); This variant is associated with the following publications: (PMID: 32552793, 31595528, 34177428)

OMIM
Classification: Pathogenic for BILIARY, RENAL, NEUROLOGIC, AND SKELETAL SYNDROME. Last evaluated: 2021-10-04. Review status: no assertion criteria provided. Collection method: literature only. Allele origin: germline. Not counted in ClinVar's aggregate classification.

Genomic Medicine Center of Excellence, King Faisal Specialist Hospital and Research Centre
Classification: Pathogenic for Hydrocephalus. Last evaluated: 2021-04-29. Review status: no assertion criteria provided. Collection method: research. Allele origin: germline. Affected: yes. Not counted in ClinVar's aggregate classification.

Literature cited by the submitters: PubMed 31595528 (cited by OMIM); PubMed 34177428 (cited by OMIM).